The following is an entry in ClinVar:

NM_130810.4(DNAAF4):c.547C>T (p.Gln183Ter)

Genes: DNAAF4 (dynein axonemal assembly factor 4; minus strand), DNAAF4-CCPG1 (DNAAF4-CCPG1 readthrough (NMD candidate); minus strand). Cytogenetic location: 15q21.3.
Variant type: single nucleotide variant.
Coding change: c.547C>T on transcript NM_130810.4 (MANE Select); coding-DNA position 547, C replaced by T.
Protein change: p.Gln183Ter; replaces glutamine 183 with a stop codon.
Molecular consequence: nonsense. On other transcripts: non-coding transcript variant (1).
Genome position (GRCh38, 1-based): chr15:55,467,020, G>A on the plus strand (C>T on the coding strand, the complement: DNAAF4 is on the minus strand). VCF-style: chr15-55467020-G-A. GRCh37 (hg19) VCF-style: chr15-55759218-G-A.
Other names: c.547C>T, p.Gln183Ter (NM_001033559.3, NM_001033560.2); short protein forms Q183*.
Identifiers: ClinVar variation 2817773 (VCV002817773.3), dbSNP rs1236459969, ClinGen allele CA392553355.
Genomic context (GRCh38, chr15:55,467,020, plus strand): 5'-TTCTAGTAAGACTCTTATATTTTATTTTTTTTCTTTCTTCTTTAATTTGCTTTTCTTTTT[G>A]ACATAATTTCTCTTCTCTCTGAATTTTTTTTTGCTCCTCAGCTTTTCTTTGATATTCTTT-3'

ClinVar aggregate classification (germline): Pathogenic (1 of 4 stars; one submission).

Allele frequency attached by ClinVar (database versions not stated): gnomAD exomes below 0.00001.
gnomAD v4.1: 3 of 1,565,828 alleles (0.00019%); highest among the groups gnomAD compares: Non-Finnish European, 0.000086%; no homozygotes.

Submission:

Labcorp Genetics (formerly Invitae), Labcorp
Classification: Pathogenic. Last evaluated: 2022-12-01. Review status: criteria provided, single submitter. Criteria: Invitae Variant Classification Sherloc (09022015). Collection method: clinical testing. Allele origin: germline.
Comment: For these reasons, this variant has been classified as Pathogenic. This variant has not been reported in the literature in individuals affected with DNAAF4-related conditions. This variant is present in population databases (no rsID available, gnomAD 0.001%). This sequence change creates a premature translational stop signal (p.Gln183*) in the DNAAF4 gene. It is expected to result in an absent or disrupted protein product. Loss-of-function variants in DNAAF4 are known to be pathogenic (PMID: 23872636).

Literature cited by the submitters: PubMed 23872636.